The following is an entry in ClinVar:

ClinVar aggregate classification (germline): Uncertain significance (1 of 4 stars; one submission).

Conditions:
Dilated cardiomyopathy 1O (CMD1O). Also called: CARDIOMYOPATHY, DILATED, WITH VENTRICULAR TACHYCARDIA. Identifiers: Orphanet 154, MedGen C1837839, MONDO:0012062, OMIM 608569.

Submission:

Labcorp Genetics (formerly Invitae), Labcorp
Classification: Uncertain significance for Dilated cardiomyopathy 1O. Last evaluated: 2023-11-13. Review status: criteria provided, single submitter. Criteria: Invitae Variant Classification Sherloc (09022015). Collection method: clinical testing. Allele origin: germline.
Comment: This sequence change replaces serine, which is neutral and polar, with leucine, which is neutral and non-polar, at codon 118 of the ABCC9 protein (p.Ser118Leu). This variant is not present in population databases (gnomAD no frequency). This variant has not been reported in the literature in individuals affected with ABCC9-related conditions. Advanced modeling of protein sequence and biophysical properties (such as structural, functional, and spatial information, amino acid conservation, physicochemical variation, residue mobility, and thermodynamic stability) performed at Invitae indicates that this missense variant is expected to disrupt ABCC9 protein function with a positive predictive value of 95%. In summary, the available evidence is currently insufficient to determine the role of this variant in disease. Therefore, it has been classified as a Variant of Uncertain Significance.

NM_020297.4(ABCC9):c.353C>T (p.Ser118Leu)

Gene: ABCC9 (ATP binding cassette subfamily C member 9; minus strand). Cytogenetic location: 12p12.1.
Variant type: single nucleotide variant.
Coding change: c.353C>T on transcript NM_020297.4 (MANE Select); coding-DNA position 353, C replaced by T.
Protein change: p.Ser118Leu; replaces serine 118 with leucine.
Molecular consequence: missense variant. On other transcripts: 5 prime UTR variant (1).
Genome position (GRCh38, 1-based): chr12:21,925,995, G>A on the plus strand (C>T on the coding strand, the complement: ABCC9 is on the minus strand). VCF-style: chr12-21925995-G-A. GRCh37 (hg19) VCF-style: chr12-22078929-G-A.
Other names: c.353C>T, p.Ser118Leu (NM_001377273.1, NM_005691.4); c.-102C>T (NM_001377274.1); short protein forms S118L.
Identifiers: ClinVar variation 2848212 (VCV002848212.3), dbSNP rs2541827698, ClinGen allele CA384129387.